The following is an entry in ClinVar:

ClinVar aggregate classification (germline): Likely benign (0 of 4 stars; one submission).

Conditions:
CTU2-related disorder. Also called: CTU2-related condition.

gnomAD v4.1: 249 of 1,612,450 alleles (0.015%); highest among the groups gnomAD compares: African/African-American, 0.25%; no homozygotes.

Submission:

PreventionGenetics, part of Exact Sciences
Classification: Likely benign for CTU2-related condition. Last evaluated: 2024-03-26. Review status: no assertion criteria provided. Collection method: clinical testing. Allele origin: germline.
Comment: This variant is classified as likely benign based on ACMG/AMP sequence variant interpretation guidelines (Richards et al. 2015 PMID: 25741868, with internal and published modifications).

NM_001012759.3(CTU2):c.1419+8C>T

Gene: CTU2 (cytosolic thiouridylase subunit 2; plus strand). Cytogenetic location: 16q24.3.
Variant type: single nucleotide variant.
Coding change: c.1419+8C>T on transcript NM_001012759.3 (MANE Select); 8 bases into the intron after coding-DNA position 1419, C replaced by T.
Molecular consequence: intron variant.
Genome position (GRCh38, 1-based): chr16:88,714,934, C>T. VCF-style: chr16-88714934-C-T. GRCh37 (hg19) VCF-style: chr16-88781342-C-T.
Other names: c.1632+8C>T (NM_001318507.2); c.1419+8C>T (NM_001012762.3); c.1158+8C>T (NM_001318513.2).
Identifiers: ClinVar variation 3356384 (VCV003356384.1).